The following is an entry in ClinVar:

ClinVar aggregate classification (germline): Pathogenic. Review status: criteria provided, multiple submitters, no conflicts (2 of 4 stars). 3 submissions from 3 submitters: Pathogenic (3). Last evaluated 2024-08-11.

Conditions:
Hereditary cancer-predisposing syndrome. Also called: Hereditary neoplastic syndrome; Tumor predisposition; Hereditary Cancer Syndrome; Neoplastic Syndromes, Hereditary. Identifiers: Orphanet 140162, MedGen C0027672, MeSH D009386, MONDO:0015356.
Familial cancer of breast. Also called: hereditary breast carcinoma; BREAST CANCER, FAMILIAL; Hereditary breast cancer. Identifiers: Orphanet 227535, MedGen C0346153, MONDO:0016419, OMIM 114480. Disease mechanism: loss of function.

Submissions (3):

Labcorp Genetics (formerly Invitae), Labcorp
Classification: Pathogenic for Familial cancer of breast. Last evaluated: 2024-08-11. Review status: criteria provided, single submitter. Criteria: Invitae Variant Classification Sherloc (09022015). Collection method: clinical testing. Allele origin: germline.
Comment: This sequence change creates a premature translational stop signal (p.Gln1020*) in the PALB2 gene. It is expected to result in an absent or disrupted protein product. Loss-of-function variants in PALB2 are known to be pathogenic (PMID: 17200668, 17200671, 17200672, 24136930, 25099575). This variant is not present in population databases (gnomAD no frequency). This variant has not been reported in the literature in individuals affected with PALB2-related conditions. ClinVar contains an entry for this variant (Variation ID: 1068533). For these reasons, this variant has been classified as Pathogenic.

Ambry Genetics
Classification: Pathogenic for Hereditary cancer-predisposing syndrome. Last evaluated: 2023-10-13. Review status: criteria provided, single submitter. Criteria: Ambry Variant Classification Scheme 2023. Collection method: clinical testing. Allele origin: germline.
Comment: The c.3058C>T (p.Q1020*) alteration, located in exon 10 (coding exon 10) of the PALB2 gene, consists of a C to T substitution at nucleotide position 3058. This changes the amino acid from a glutamine (Q) to a stop codon at amino acid position 1020. This alteration is expected to result in loss of function by premature protein truncation or nonsense-mediated mRNA decay. This variant was not reported in population-based cohorts in the Genome Aggregation Database (gnomAD). This variant has been reported in one individual with breast cancer (Palmer, 2020). Based on the available evidence, this alteration is classified as pathogenic.

Myriad Genetics, Inc.
Classification: Pathogenic for Familial cancer of breast. Last evaluated: 2023-09-14. Review status: criteria provided, single submitter. Criteria: Myriad Autosomal Dominant, Autosomal Recessive and X-Linked Classification Criteria (2023). Collection method: clinical testing. Allele origin: unknown.
Comment: This variant is considered pathogenic. This variant creates a termination codon and is predicted to result in premature protein truncation.

Literature cited by the submitters: PubMed 17200668 (cited by Labcorp Genetics (formerly Invitae), Labcorp); PubMed 17200671 (cited by Labcorp Genetics (formerly Invitae), Labcorp); PubMed 17200672 (cited by Labcorp Genetics (formerly Invitae), Labcorp); PubMed 24136930 (cited by Labcorp Genetics (formerly Invitae), Labcorp); PubMed 25099575 (cited by Labcorp Genetics (formerly Invitae), Labcorp); PubMed 32427313 (cited by Ambry Genetics).

NM_024675.4(PALB2):c.3058C>T (p.Gln1020Ter)

Gene: PALB2 (partner and localizer of BRCA2; minus strand). Cytogenetic location: 16p12.2.
Variant type: single nucleotide variant.
Coding change: c.3058C>T on transcript NM_024675.4 (MANE Select); coding-DNA position 3058, C replaced by T.
Protein change: p.Gln1020Ter; replaces glutamine 1020 with a stop codon.
Molecular consequence: nonsense.
Genome position (GRCh38, 1-based): chr16:23,621,417, G>A on the plus strand (C>T on the coding strand, the complement: PALB2 is on the minus strand). VCF-style: chr16-23621417-G-A. GRCh37 (hg19) VCF-style: chr16-23632738-G-A.
Other names: short protein forms Q1020*.
Identifiers: ClinVar variation 1068533 (VCV001068533.11), dbSNP rs2142327117, ClinGen allele CA395143007.